The following is an entry in ClinVar:

ClinVar aggregate classification (germline): Uncertain significance (1 of 4 stars; one submission).

Submission:

GeneDx
Classification: Uncertain significance. Last evaluated: 2026-03-14. Review status: criteria provided, single submitter. Criteria: GeneDx Variant Classification Process June 2021. Collection method: clinical testing. Allele origin: germline.
Comment: Not observed at significant frequency in large population cohorts (gnomAD); In silico analysis supports that this missense variant has a deleterious effect on protein structure/function; Has not been previously published as pathogenic or benign to our knowledge

NM_014159.7(SETD2):c.857T>C (p.Ile286Thr)

Gene: SETD2 (SET domain containing 2, histone lysine methyltransferase; minus strand). Cytogenetic location: 3p21.31.
Variant type: single nucleotide variant.
Coding change: c.857T>C on transcript NM_014159.7 (MANE Select); coding-DNA position 857, T replaced by C.
Protein change: p.Ile286Thr; replaces isoleucine 286 with threonine.
Molecular consequence: missense variant. On other transcripts: non-coding transcript variant (1).
Genome position (GRCh38, 1-based): chr3:47,123,779, A>G on the plus strand (T>C on the coding strand, the complement: SETD2 is on the minus strand). VCF-style: chr3-47123779-A-G. GRCh37 (hg19) VCF-style: chr3-47165269-A-G.
Other names: c.725T>C, p.Ile242Thr (NM_001349370.3); short protein forms I286T, I242T.
Identifiers: ClinVar variation 5008660 (VCV005008660.1).